The following is an entry in ClinVar:

NM_022041.4(GAN):c.1748T>C (p.Leu583Pro)

Gene: GAN (gigaxonin; plus strand). Cytogenetic location: 16q23.2.
Variant type: single nucleotide variant.
Coding change: c.1748T>C on transcript NM_022041.4 (MANE Select); coding-DNA position 1748, T replaced by C.
Protein change: p.Leu583Pro; replaces leucine 583 with proline.
Molecular consequence: missense variant.
Genome position (GRCh38, 1-based): chr16:81,377,550, T>C. VCF-style: chr16-81377550-T-C. GRCh37 (hg19) VCF-style: chr16-81411155-T-C.
Other names: c.1109T>C, p.Leu370Pro (NM_001377486.1); short protein forms L583P, L370P.
Identifiers: ClinVar variation 1525304 (VCV001525304.8), dbSNP rs766504625, ClinGen allele CA396892904.

ClinVar aggregate classification (germline): Uncertain significance (1 of 4 stars; one submission).

Conditions:
Giant axonal neuropathy 1 (GAN1). Also called: GAN-Related Neurodegeneration; GIANT AXONAL NEUROPATHY 1, AUTOSOMAL RECESSIVE. Identifiers: Orphanet 643, MedGen C1850386, MONDO:0009749, OMIM 256850.

Submission:

Labcorp Genetics (formerly Invitae), Labcorp
Classification: Uncertain significance for Giant axonal neuropathy 1. Last evaluated: 2023-10-13. Review status: criteria provided, single submitter. Criteria: Invitae Variant Classification Sherloc (09022015). Collection method: clinical testing. Allele origin: germline.
Comment: This sequence change replaces leucine, which is neutral and non-polar, with proline, which is neutral and non-polar, at codon 583 of the GAN protein (p.Leu583Pro). This variant is not present in population databases (gnomAD no frequency). This variant has not been reported in the literature in individuals affected with GAN-related conditions. ClinVar contains an entry for this variant (Variation ID: 1525304). An algorithm developed to predict the effect of missense changes on protein structure and function (PolyPhen-2) suggests that this variant is likely to be disruptive. In summary, the available evidence is currently insufficient to determine the role of this variant in disease. Therefore, it has been classified as a Variant of Uncertain Significance.